The following is an entry in ClinVar:

NM_012414.4(RAB3GAP2):c.3101T>G (p.Phe1034Cys)

Gene: RAB3GAP2 (RAB3 GTPase activating non-catalytic protein subunit 2; minus strand). Cytogenetic location: 1q41.
Variant type: single nucleotide variant.
Coding change: c.3101T>G on transcript NM_012414.4 (MANE Select); coding-DNA position 3101, T replaced by G.
Protein change: p.Phe1034Cys; replaces phenylalanine 1034 with cysteine.
Molecular consequence: missense variant.
Genome position (GRCh38, 1-based): chr1:220,164,786, A>C on the plus strand (T>G on the coding strand, the complement: RAB3GAP2 is on the minus strand). VCF-style: chr1-220164786-A-C. GRCh37 (hg19) VCF-style: chr1-220338128-A-C.
Other names: short protein forms F1034C.
Identifiers: ClinVar variation 3362287 (VCV003362287.3).

ClinVar aggregate classification (germline): Uncertain significance (1 of 4 stars; one submission).

Conditions:
Warburg micro syndrome 2 (WARBM2). Also called: MICRO SYNDROME 2. Identifiers: Orphanet 2510, MedGen C3280214, MONDO:0013641, OMIM 614225.

gnomAD v4.1: 3 of 1,608,904 alleles (0.00019%); highest among the groups gnomAD compares: South Asian, 0.0033%; no homozygotes.

Submission:

Neuberg Centre For Genomic Medicine, NCGM
Classification: Uncertain significance for Warburg micro syndrome 2. Last evaluated: 2023-05-20. Review status: criteria provided, single submitter. Criteria: ACMG Guidelines, 2015. Collection method: clinical testing. Allele origin: germline. Inheritance: Autosomal recessive inheritance. Affected: yes.
Comment: The observed missense c.3101T>G(p.Phe1034Cys) variant in RAB3GAP2 gene has not been reported previously as a pathogenic variant nor as a benign variant, to our knowledge. This variant is reported with the allele frequency of 0.0004% in the gnomAD Exomes. The amino acid Phe at position 1034 is changed to a Cys changing protein sequence and it might alter its composition and physico-chemical properties. The amino acid change p.Phe1034Cys in RAB3GAP2 is predicted as conserved by GERP++ and PhyloP across 100 vertebrates. Multiple lines of computational evidence (Polyphen - Damaging, SIFT - Damaging, and MutationTaster - Disease causing) predict a damaging effect on protein structure and function for this variant. For these reasons, this variant has been classified as Uncertain Significance.